The following is an entry in ClinVar:

NM_000171.4(GLRA1):c.1246G>A (p.Asp416Asn)

Gene: GLRA1 (glycine receptor alpha 1; minus strand). Cytogenetic location: 5q33.1.
Variant type: single nucleotide variant.
Coding change: c.1246G>A on transcript NM_000171.4 (MANE Select); coding-DNA position 1246, G replaced by A.
Protein change: p.Asp416Asn; replaces aspartic acid 416 with asparagine.
Molecular consequence: missense variant.
Genome position (GRCh38, 1-based): chr5:151,822,777, C>T on the plus strand (G>A on the coding strand, the complement: GLRA1 is on the minus strand). VCF-style: chr5-151822777-C-T. GRCh37 (hg19) VCF-style: chr5-151202338-C-T.
Other names: chr5:151202338C>T; c.1270G>A, p.Asp424Asn (NM_001146040.2); c.997G>A, p.Asp333Asn (NM_001292000.2); short protein forms D424N, D333N, D416N.
Identifiers: ClinVar variation 545477 (VCV000545477.2), dbSNP rs1181626947, ClinGen allele CA361849840.

ClinVar aggregate classification (germline): Likely pathogenic (1 of 4 stars; one submission).

Conditions:
Hyperekplexia 1 (STHE). Also called: HYPEREKPLEXIA 1, AUTOSOMAL DOMINANT; HYPEREKPLEXIA 1, AUTOSOMAL RECESSIVE; STARTLE DISEASE, FAMILIAL; STIFF-BABY SYNDROME; STIFF-MAN SYNDROME, CONGENITAL; STIFF-PERSON SYNDROME, CONGENITAL. Identifiers: Orphanet 3197, MedGen C4551954, MONDO:0007868, OMIM 149400.

Allele frequency attached by ClinVar (database versions not stated): gnomAD exomes below 0.00001 and 0.00001; TOPMed 0.00001.
gnomAD v4.1: 8 of 1,613,868 alleles (0.0005%); highest among the groups gnomAD compares: African/African-American, 0.0013%; no homozygotes.

Submission:

Neurogenetics Lab, King Edward Memorial Hospital and Seth Gordhandas Sunderdas Medical College
Classification: Likely pathogenic for Hyperekplexia 1. Review status: criteria provided, single submitter. Criteria: ACMG Guidelines, 2015. Collection method: clinical testing. Allele origin: germline. Inheritance: Autosomal recessive inheritance. Affected: yes. Observed: 1 variant allele, 1 homozygote.
Comment: This clearly suggests the autosomal recessive mode of inheritance.